The following is an entry in ClinVar:

NM_153614.4(DNAJB13):c.831G>A (p.Gly277=)

Gene: DNAJB13 (DnaJ heat shock protein family (Hsp40) member B13; plus strand). Cytogenetic location: 11q13.4.
Variant type: single nucleotide variant.
Coding change: c.831G>A on transcript NM_153614.4 (MANE Select); coding-DNA position 831, G replaced by A.
Protein change: p.Gly277=; no amino-acid change (glycine 277 retained).
Molecular consequence: synonymous variant.
Genome position (GRCh38, 1-based): chr11:73,969,994, G>A. VCF-style: chr11-73969994-G-A. GRCh37 (hg19) VCF-style: chr11-73681039-G-A.
Other names: c.657G>A, p.Gly219= (NM_001377263.1).
Identifiers: ClinVar variation 1589145 (VCV001589145.9), dbSNP rs766147410, ClinGen allele CA6180915.

ClinVar aggregate classification (germline): Likely benign. Review status: criteria provided, multiple submitters, no conflicts (2 of 4 stars). 2 submissions from 2 submitters: Likely benign (2). Last evaluated 2026-09-01.

Allele frequency attached by ClinVar (database versions not stated): gnomAD 0.00004; gnomAD exomes 0.00008 and 0.00017; TOPMed 0.00009; ExAC 0.00012.
gnomAD v4.1: 53 of 1,611,558 alleles (0.0033%); highest among the groups gnomAD compares: Admixed American, 0.087%; no homozygotes.

Submissions (2):

CeGaT Center for Human Genetics Tuebingen
Classification: Likely benign. Last evaluated: 2026-09-01. Review status: criteria provided, single submitter. Criteria: CeGaT Center For Human Genetics Tuebingen Variant Classification Criteria Version 2. Collection method: clinical testing. Allele origin: germline. Affected: yes. Observed: 1 variant allele.
Comment: DNAJB13: BP4, BP7

Labcorp Genetics (formerly Invitae), Labcorp
Classification: Likely benign. Last evaluated: 2025-09-28. Review status: criteria provided, single submitter. Criteria: Invitae Variant Classification Sherloc (09022015). Collection method: clinical testing. Allele origin: germline.